The following is an entry in ClinVar:

NM_007373.4(SHOC2):c.1356G>C (p.Glu452Asp)

Gene: SHOC2 (SHOC2 leucine rich repeat scaffold protein; plus strand). Cytogenetic location: 10q25.2.
Variant type: single nucleotide variant.
Coding change: c.1356G>C on transcript NM_007373.4 (MANE Select); coding-DNA position 1356, G replaced by C.
Protein change: p.Glu452Asp; replaces glutamic acid 452 with aspartic acid.
Molecular consequence: missense variant. On other transcripts: non-coding transcript variant (1).
Genome position (GRCh38, 1-based): chr10:111,009,319, G>C. VCF-style: chr10-111009319-G-C. GRCh37 (hg19) VCF-style: chr10-112769077-G-C.
Other names: c.1218G>C, p.Glu406Asp (NM_001269039.3); c.1356G>C, p.Glu452Asp (NM_001324336.2, NM_001324337.2); short protein forms E406D, E452D.
Identifiers: ClinVar variation 968230 (VCV000968230.6), dbSNP rs1047190791, ClinGen allele CA378524102.

ClinVar aggregate classification (germline): Uncertain significance (1 of 4 stars; one submission).

Conditions:
RASopathy. Also called: rasopathies; Noonan spectrum disorder. Identifiers: Orphanet 536391, MedGen C5555857, MONDO:0021060.

Submission:

Labcorp Genetics (formerly Invitae), Labcorp
Classification: Uncertain significance for RASopathy. Last evaluated: 2021-08-28. Review status: criteria provided, single submitter. Criteria: Invitae Variant Classification Sherloc (09022015). Collection method: clinical testing. Allele origin: germline.
Comment: This sequence change replaces glutamic acid with aspartic acid at codon 452 of the SHOC2 protein (p.Glu452Asp). The glutamic acid residue is highly conserved and there is a small physicochemical difference between glutamic acid and aspartic acid. This variant is not present in population databases (ExAC no frequency). This variant has not been reported in the literature in individuals affected with SHOC2-related conditions. Algorithms developed to predict the effect of missense changes on protein structure and function are either unavailable or do not agree on the potential impact of this missense change (SIFT: "Tolerated"; PolyPhen-2: "Possibly Damaging"; Align-GVGD: "Class C0"). In summary, the available evidence is currently insufficient to determine the role of this variant in disease. Therefore, it has been classified as a Variant of Uncertain Significance.